The following is an entry in ClinVar:

ClinVar aggregate classification (germline): Uncertain significance (1 of 4 stars; one submission).

Submission:

Labcorp Genetics (formerly Invitae), Labcorp
Classification: Uncertain significance. Last evaluated: 2022-03-09. Review status: criteria provided, single submitter. Criteria: Invitae Variant Classification Sherloc (09022015). Collection method: clinical testing. Allele origin: germline.
Comment: This sequence change replaces alanine, which is neutral and non-polar, with aspartic acid, which is acidic and polar, at codon 507 of the HK1 protein (p.Ala507Asp). This variant is not present in population databases (gnomAD no frequency). In summary, the available evidence is currently insufficient to determine the role of this variant in disease. Therefore, it has been classified as a Variant of Uncertain Significance. Algorithms developed to predict the effect of missense changes on protein structure and function are either unavailable or do not agree on the potential impact of this missense change (SIFT: "Deleterious"; PolyPhen-2: "Probably Damaging"; Align-GVGD: "Class C0"). This variant has not been reported in the literature in individuals affected with HK1-related conditions.

NM_000188.3(HK1):c.1520C>A (p.Ala507Asp)

Gene: HK1 (hexokinase 1; plus strand). Cytogenetic location: 10q22.1.
Variant type: single nucleotide variant.
Coding change: c.1520C>A on transcript NM_000188.3 (MANE Select); coding-DNA position 1520, C replaced by A.
Protein change: p.Ala507Asp; replaces alanine 507 with aspartic acid.
Molecular consequence: missense variant.
Genome position (GRCh38, 1-based): chr10:69,382,741, C>A. VCF-style: chr10-69382741-C-A. GRCh37 (hg19) VCF-style: chr10-71142497-C-A.
Other names: c.1532C>A, p.Ala511Asp (NM_001322364.2, NM_001358263.1, NM_033497.3 and 1 more transcripts); c.1625C>A, p.Ala542Asp (NM_001322365.2); c.1436C>A, p.Ala479Asp (NM_001322366.1); c.1424C>A, p.Ala475Asp (NM_001322367.1); c.1517C>A, p.Ala506Asp (NM_033496.3); c.1484C>A, p.Ala495Asp (NM_033500.2); short protein forms A511D, A542D, A475D, A479D, A507D, A495D, A506D.
Identifiers: ClinVar variation 1905163 (VCV001905163.5), dbSNP rs2132885926, ClinGen allele CA376910196.